The following is an entry in ClinVar:

ClinVar aggregate classification (germline): not provided (0 of 4 stars; one submission).

Allele frequency attached by ClinVar (database versions not stated): 1000 Genomes Project 30x 0.00016; 1000 Genomes Project 0.00020; gnomAD exomes 0.00026; ExAC 0.00031; ESP Exome Variant Server 0.00085; gnomAD 0.00096 and 0.00106; TOPMed 0.00112.
gnomAD v4.1: 312 of 1,610,682 alleles (0.019%); highest among the groups gnomAD compares: African/African-American, 0.32%; 2 homozygotes.

Submission:

Human Evolutionary Genetics, Institut Pasteur
No classification provided. Review status: no classification provided. Collection method: not provided. Allele origin: germline.
ClinVar note: Converted during submission from untested to not provided.

NM_001384950.1(NLRC5):c.3506+7C>T

Gene: NLRC5 (NLR family CARD domain containing 5; plus strand). Cytogenetic location: 16q13.
Variant type: single nucleotide variant.
Coding change: c.3506+7C>T on transcript NM_001384950.1 (MANE Select); 7 bases into the intron after coding-DNA position 3506, C replaced by T.
Molecular consequence: intron variant.
Genome position (GRCh38, 1-based): chr16:57,051,628, C>T. VCF-style: chr16-57051628-C-T. GRCh37 (hg19) VCF-style: chr16-57085540-C-T.
Other names: c.3506+7C>T (NM_001384954.1, NM_001384953.1, NM_001384957.1 and 16 more transcripts); c.3332+7C>T (NM_001384960.1); c.3416+7C>T (NM_001384967.1, NM_001384968.1); c.3422+7C>T (NM_001384965.1); c.3266+7C>T (NM_001384972.1).
Identifiers: ClinVar variation 103180 (VCV000103180.2), dbSNP rs199475995, ClinGen allele CA230226.